The following is an entry in ClinVar:

ClinVar aggregate classification (germline): Uncertain significance (1 of 4 stars; one submission).

Conditions:
Candidiasis, familial, 9 (CANDF9). Identifiers: Orphanet 1334, MedGen C4225324, MONDO:0014642, OMIM 616445.

gnomAD v4.1: 1 of 1,605,444 alleles (0.000062%); highest among the groups gnomAD compares: Non-Finnish European, 0.000085%; no homozygotes.

Submission:

Labcorp Genetics (formerly Invitae), Labcorp
Classification: Uncertain significance for Candidiasis, familial, 9. Last evaluated: 2024-02-17. Review status: criteria provided, single submitter. Criteria: Invitae Variant Classification Sherloc (09022015). Collection method: clinical testing. Allele origin: germline.
Comment: This sequence change replaces leucine, which is neutral and non-polar, with proline, which is neutral and non-polar, at codon 399 of the IL17RC protein (p.Leu399Pro). This variant is not present in population databases (gnomAD no frequency). This variant has not been reported in the literature in individuals affected with IL17RC-related conditions. ClinVar contains an entry for this variant (Variation ID: 1042975). An algorithm developed to predict the effect of missense changes on protein structure and function (PolyPhen-2) suggests that this variant is likely to be disruptive. In summary, the available evidence is currently insufficient to determine the role of this variant in disease. Therefore, it has been classified as a Variant of Uncertain Significance.

NM_153460.4(IL17RC):c.983T>C (p.Leu328Pro)

Gene: IL17RC (interleukin 17 receptor C; plus strand). Cytogenetic location: 3p25.3.
Variant type: single nucleotide variant.
Coding change: c.983T>C on transcript NM_153460.4 (MANE Select); coding-DNA position 983, T replaced by C.
Protein change: p.Leu328Pro; replaces leucine 328 with proline.
Molecular consequence: missense variant. On other transcripts: non-coding transcript variant (1).
Genome position (GRCh38, 1-based): chr3:9,928,410, T>C. VCF-style: chr3-9928410-T-C. GRCh37 (hg19) VCF-style: chr3-9970094-T-C.
Other names: c.983T>C, p.Leu328Pro (NM_001203263.2, NM_001203264.2); c.938T>C, p.Leu313Pro (NM_001203265.2, NM_001367280.1, NM_032732.6); c.944T>C, p.Leu315Pro (NM_001367278.1); c.863T>C, p.Leu288Pro (NM_001367279.1); c.1196T>C, p.Leu399Pro (NM_153461.4); short protein forms L288P, L313P, L315P, L399P, L328P.
Identifiers: ClinVar variation 1042975 (VCV001042975.5), dbSNP rs373390329, ClinGen allele CA351761834.